The following is an entry in ClinVar:

NM_015629.4(PRPF31):c.271C>T (p.Arg91Cys)

Genes: PRPF31 (pre-mRNA processing factor 31; plus strand), PRPF31-AS1 (PRPF31 antisense RNA 1; minus strand). Cytogenetic location: 19q13.42.
Variant type: single nucleotide variant.
Coding change: c.271C>T on transcript NM_015629.4 (MANE Select); coding-DNA position 271, C replaced by T.
Protein change: p.Arg91Cys; replaces arginine 91 with cysteine.
Molecular consequence: missense variant.
Genome position (GRCh38, 1-based): chr19:54,121,892, C>T. VCF-style: chr19-54121892-C-T. GRCh37 (hg19) VCF-style: chr19-54625271-C-T.
Other names: c.271C>T (NM_015629.3); short protein forms R91C.
Identifiers: ClinVar variation 1508982 (VCV001508982.9), dbSNP rs376072327, ClinGen allele CA407749227.

ClinVar aggregate classification (germline): Conflicting classifications of pathogenicity. Review status: criteria provided, conflicting classifications (1 of 4 stars). 3 submissions from 3 submitters: Uncertain significance (2); Likely benign (1). Last evaluated 2026-01-11.

Conditions:
Inborn genetic diseases. Identifiers: MedGen C0950123, MeSH D030342.

Allele frequency attached by ClinVar (database versions not stated): gnomAD 0.00009; TOPMed 0.00010; gnomAD exomes 0.00013; ESP Exome Variant Server 0.00015.
gnomAD v4.1: 253 of 1,612,592 alleles (0.016%); highest among the groups gnomAD compares: Non-Finnish European, 0.019%; no homozygotes.

Submissions (3):

Labcorp Genetics (formerly Invitae), Labcorp
Classification: Uncertain significance. Last evaluated: 2026-01-11. Review status: criteria provided, single submitter. Criteria: Invitae Variant Classification Sherloc (09022015). Collection method: clinical testing. Allele origin: germline.
Comment: This sequence change replaces arginine, which is basic and polar, with cysteine, which is neutral and slightly polar, at codon 91 of the PRPF31 protein (p.Arg91Cys). This variant is present in population databases (rs376072327, gnomAD 0.02%). This variant has not been reported in the literature in individuals affected with PRPF31-related conditions. ClinVar contains an entry for this variant (Variation ID: 1508982). An algorithm developed to predict the effect of missense changes on protein structure and function (PolyPhen-2) suggests that this variant is likely to be tolerated. In summary, the available evidence is currently insufficient to determine the role of this variant in disease. Therefore, it has been classified as a Variant of Uncertain Significance.

Ambry Genetics
Classification: Uncertain significance for Inborn genetic diseases. Last evaluated: 2024-07-07. Review status: criteria provided, single submitter. Criteria: Ambry Variant Classification Scheme 2023. Collection method: clinical testing. Allele origin: germline.

Blueprint Genetics
Classification: Likely benign. Last evaluated: 2024-04-23. Review status: criteria provided, single submitter. Criteria: ACMG Guidelines, 2015. Collection method: clinical testing. Allele origin: germline.